The following is an entry in ClinVar:

ClinVar aggregate classification (germline): Uncertain significance. Review status: criteria provided, multiple submitters, no conflicts (2 of 4 stars). 2 submissions from 2 submitters: Uncertain significance (2). Last evaluated 2025-08-10.

Conditions:
Inborn genetic diseases. Identifiers: MedGen C0950123, MeSH D030342.

Allele frequency attached by ClinVar (database versions not stated): gnomAD exomes below 0.00001; gnomAD 0.00001.
gnomAD v4.1: 2 of 1,613,988 alleles (0.00012%); highest among the groups gnomAD compares: African/African-American, 0.0027%; no homozygotes.

Submissions (2):

Ambry Genetics
Classification: Uncertain significance for Inborn genetic diseases. Last evaluated: 2025-08-10. Review status: criteria provided, single submitter. Criteria: Ambry Variant Classification Scheme 2023. Collection method: clinical testing. Allele origin: germline.

GeneDx
Classification: Uncertain significance. Last evaluated: 2020-02-03. Review status: criteria provided, single submitter. Criteria: GeneDx Variant Classification Process June 2021. Collection method: clinical testing. Allele origin: germline. Affected: yes.
Comment: Not observed at a significant frequency in large population cohorts (Lek et al., 2016); In silico analysis supports that this missense variant does not alter protein structure/function; Has not been previously published as pathogenic or benign to our knowledge

NM_004519.4(KCNQ3):c.1118A>C (p.Lys373Thr)

Gene: KCNQ3 (potassium voltage-gated channel subfamily Q member 3; minus strand). Cytogenetic location: 8q24.22.
Variant type: single nucleotide variant.
Coding change: c.1118A>C on transcript NM_004519.4 (MANE Select); coding-DNA position 1118, A replaced by C.
Protein change: p.Lys373Thr; replaces lysine 373 with threonine.
Molecular consequence: missense variant.
Genome position (GRCh38, 1-based): chr8:132,172,620, T>G on the plus strand (A>C on the coding strand, the complement: KCNQ3 is on the minus strand). VCF-style: chr8-132172620-T-G. GRCh37 (hg19) VCF-style: chr8-133184867-T-G.
Other names: c.758A>C, p.Lys253Thr (NM_001204824.2); short protein forms K253T, K373T.
Identifiers: ClinVar variation 1315047 (VCV001315047.3), dbSNP rs1418558443, ClinGen allele CA372289860.